The following is an entry in ClinVar:

NM_032119.4(ADGRV1):c.6694_6695delinsCG (p.Tyr2232Arg)

Gene: ADGRV1 (adhesion G protein-coupled receptor V1; plus strand). Cytogenetic location: 5q14.3.
Variant type: Indel.
Coding change: c.6694_6695delinsCG on transcript NM_032119.4 (MANE Select); coding-DNA positions 6694 to 6695, TA replaced by CG.
Protein change: p.Tyr2232Arg; replaces tyrosine 2232 with arginine.
Molecular consequence: missense variant. On other transcripts: non-coding transcript variant (1).
Genome position (GRCh38, 1-based): chr5:90,690,064-90,690,065, TA replaced by CG. VCF-style: chr5-90690064-TA-CG. GRCh37 (hg19) VCF-style: chr5-89985881-TA-CG.
Other names: short protein forms Y2232R.
Identifiers: ClinVar variation 2005537 (VCV002005537.4), dbSNP rs2530894805, ClinGen allele CA2580073754.

ClinVar aggregate classification (germline): Uncertain significance (1 of 4 stars; one submission).

Submission:

Labcorp Genetics (formerly Invitae), Labcorp
Classification: Uncertain significance. Last evaluated: 2022-06-13. Review status: criteria provided, single submitter. Criteria: Invitae Variant Classification Sherloc (09022015). Collection method: clinical testing. Allele origin: germline.
Comment: In summary, the available evidence is currently insufficient to determine the role of this variant in disease. Therefore, it has been classified as a Variant of Uncertain Significance. Algorithms developed to predict the effect of missense changes on protein structure and function are either unavailable or do not agree on the potential impact of this missense change (SIFT: "Not Available"; PolyPhen-2: "Possibly Damaging"; Align-GVGD: "Not Available"). This variant has not been reported in the literature in individuals affected with ADGRV1-related conditions. Information on the frequency of this variant in the gnomAD database is not available, as this variant may be reported differently in the database. This sequence change replaces tyrosine, which is neutral and polar, with arginine, which is basic and polar, at codon 2232 of the ADGRV1 protein (p.Tyr2232Arg).